The following is an entry in ClinVar:

NM_015215.4(CAMTA1):c.4132C>A (p.Arg1378Ser)

Genes: CAMTA1 (calmodulin binding transcription activator 1; plus strand), LOC126805603 (CDK7 strongly-dependent group 2 enhancer GRCh37_chr1:7798026-7799225; plus strand). Cytogenetic location: 1p36.23.
Variant type: single nucleotide variant.
Coding change: c.4132C>A on transcript NM_015215.4 (MANE Select); coding-DNA position 4132, C replaced by A.
Protein change: p.Arg1378Ser; replaces arginine 1378 with serine.
Molecular consequence: missense variant.
Genome position (GRCh38, 1-based): chr1:7,738,432, C>A. VCF-style: chr1-7738432-C-A. GRCh37 (hg19) VCF-style: chr1-7798492-C-A.
Other names: c.3793C>A, p.Arg1265Ser (NM_001349610.2, NM_001349609.2, NM_001410737.1); c.3703C>A, p.Arg1235Ser (NM_001349612.2); c.1261C>A, p.Arg421Ser (NM_001349613.1); c.1204C>A, p.Arg402Ser (NM_001349614.1, NM_001349615.2, NM_001349616.2 and 2 more transcripts); c.865C>A, p.Arg289Ser (NM_001349619.2, NM_001349620.1, NM_001349621.1 and 5 more transcripts); c.4042C>A, p.Arg1348Ser (NM_001349608.2); c.3721C>A, p.Arg1241Ser (NM_001410738.1); short protein forms R1235S, R1348S, R1378S, R1241S, R1265S, R402S, R421S, R289S.
Identifiers: ClinVar variation 2888900 (VCV002888900.16), dbSNP rs374903153, ClinGen allele CA567071.

ClinVar aggregate classification (germline): Conflicting classifications of pathogenicity. Review status: criteria provided, conflicting classifications (1 of 4 stars). 2 submissions from 2 submitters: Uncertain significance (1); Likely benign (1). Last evaluated 2024-12-01.

Allele frequency attached by ClinVar (database versions not stated): ExAC 0.00005; ESP Exome Variant Server 0.00008.
gnomAD v4.1: 144 of 1,613,928 alleles (0.0089%); highest among the groups gnomAD compares: Non-Finnish European, 0.012%; 1 homozygote.

Submissions (2):

CeGaT Center for Human Genetics Tuebingen
Classification: Likely benign. Last evaluated: 2024-12-01. Review status: criteria provided, single submitter. Criteria: CeGaT Center For Human Genetics Tuebingen Variant Classification Criteria Version 2. Collection method: clinical testing. Allele origin: germline. Affected: yes. Observed: 1 variant allele.
Comment: CAMTA1: BP4

Labcorp Genetics (formerly Invitae), Labcorp
Classification: Uncertain significance. Last evaluated: 2024-02-02. Review status: criteria provided, single submitter. Criteria: Invitae Variant Classification Sherloc (09022015). Collection method: clinical testing. Allele origin: germline.
Comment: This sequence change replaces arginine, which is basic and polar, with serine, which is neutral and polar, at codon 1378 of the CAMTA1 protein (p.Arg1378Ser). This variant is present in population databases (rs374903153, gnomAD 0.01%), including at least one homozygous and/or hemizygous individual. This variant has not been reported in the literature in individuals affected with CAMTA1-related conditions. An algorithm developed to predict the effect of missense changes on protein structure and function (PolyPhen-2) suggests that this variant is likely to be tolerated. In summary, the available evidence is currently insufficient to determine the role of this variant in disease. Therefore, it has been classified as a Variant of Uncertain Significance.